The following is an entry in ClinVar:

NM_001458.5(FLNC):c.5098G>A (p.Gly1700Ser)

Gene: FLNC (filamin C; plus strand). Cytogenetic location: 7q32.1.
Variant type: single nucleotide variant.
Coding change: c.5098G>A on transcript NM_001458.5 (MANE Select); coding-DNA position 5098, G replaced by A.
Protein change: p.Gly1700Ser; replaces glycine 1700 with serine.
Molecular consequence: missense variant.
Genome position (GRCh38, 1-based): chr7:128,849,477, G>A. VCF-style: chr7-128849477-G-A. GRCh37 (hg19) VCF-style: chr7-128489531-G-A.
Other names: c.5098G>A, p.Gly1700Ser (NM_001127487.2); short protein forms G1700S.
Identifiers: ClinVar variation 1192788 (VCV001192788.11), dbSNP rs1264382469, ClinGen allele CA369204175.

ClinVar aggregate classification (germline): Conflicting classifications of pathogenicity. Review status: criteria provided, conflicting classifications (1 of 4 stars). 3 submissions from 3 submitters: Uncertain significance (2); Likely benign (1). Last evaluated 2025-08-24.

Conditions:
Cardiovascular phenotype. Identifiers: MedGen CN230736.
Myofibrillar myopathy 5. Also called: Filaminopathy (type); FILAMINOPATHY, AUTOSOMAL DOMINANT. Identifiers: Orphanet 171445, MedGen C1836050, MONDO:0012289, OMIM 609524.
Distal myopathy with posterior leg and anterior hand involvement. Also called: WILLIAMS DISTAL MYOPATHY. Identifiers: Orphanet 63273, MedGen C3279722, MONDO:0013550, OMIM 614065.
Hypertrophic cardiomyopathy 26. Also called: Cardiomyopathy, familial hypertrophic, 26. Identifiers: Orphanet 75249, MedGen C4310749, MONDO:0014883, OMIM 617047.

Allele frequency attached by ClinVar (database versions not stated): gnomAD exomes below 0.00001; gnomAD 0.00001.
gnomAD v4.1: 6 of 1,614,076 alleles (0.00037%); highest among the groups gnomAD compares: African/African-American, 0.0013%; no homozygotes.

Submissions (3):

Labcorp Genetics (formerly Invitae), Labcorp
Classification: Likely benign for Distal myopathy with posterior leg and anterior hand involvement; Myofibrillar myopathy 5; Hypertrophic cardiomyopathy 26. Last evaluated: 2025-08-24. Review status: criteria provided, single submitter. Criteria: Invitae Variant Classification Sherloc (09022015). Collection method: clinical testing. Allele origin: germline.

Ambry Genetics
Classification: Uncertain significance for Cardiovascular phenotype. Last evaluated: 2024-11-18. Review status: criteria provided, single submitter. Criteria: Ambry Variant Classification Scheme 2023. Collection method: clinical testing. Allele origin: germline.
Comment: The p.G1700S variant (also known as c.5098G>A), located in coding exon 30 of the FLNC gene, results from a G to A substitution at nucleotide position 5098. The glycine at codon 1700 is replaced by serine, an amino acid with similar properties. This amino acid position is conserved. In addition, this alteration is predicted to be deleterious by in silico analysis. Based on the available evidence, the clinical significance of this variant remains unclear.

GeneDx
Classification: Uncertain significance. Last evaluated: 2020-10-15. Review status: criteria provided, single submitter. Criteria: GeneDx Variant Classification Process June 2021. Collection method: clinical testing. Allele origin: germline. Affected: yes.
Comment: Has not been previously published as pathogenic or benign to our knowledge; Not observed at a significant frequency in large population cohorts (Lek et al., 2016); In silico analysis, which includes protein predictors and evolutionary conservation, supports a deleterious effect